The following is an entry in ClinVar:

ClinVar aggregate classification (germline): Uncertain significance (1 of 4 stars; one submission).

Conditions:
BDP1-related disorder. Also called: BDP1-related condition.

gnomAD v4.1: 5 of 1,613,882 alleles (0.00031%); highest among the groups gnomAD compares: Admixed American, 0.0083%; no homozygotes.

Submission:

PreventionGenetics, part of Exact Sciences
Classification: Uncertain significance for BDP1-related condition. Last evaluated: 2026-07-28. Review status: criteria provided, single submitter. Criteria: ACMG Guidelines, 2015. Collection method: clinical testing. Allele origin: germline.
Comment: The BDP1 c.3026A>G variant is predicted to result in the amino acid substitution p.Glu1009Gly. To our knowledge, this variant has not been reported in the literature. This variant is reported in 0.012% of alleles in individuals of Latino descent in gnomAD. At this time, the clinical significance of this variant is uncertain due to the absence of conclusive functional and genetic evidence.

NM_018429.3(BDP1):c.3026A>G (p.Glu1009Gly)

Gene: BDP1 (BDP1 general transcription factor IIIB subunit; plus strand). Cytogenetic location: 5q13.2.
Variant type: single nucleotide variant.
Coding change: c.3026A>G on transcript NM_018429.3 (MANE Select); coding-DNA position 3026, A replaced by G.
Protein change: p.Glu1009Gly; replaces glutamic acid 1009 with glycine.
Molecular consequence: missense variant.
Genome position (GRCh38, 1-based): chr5:71,510,118, A>G. VCF-style: chr5-71510118-A-G. GRCh37 (hg19) VCF-style: chr5-70805945-A-G.
Other names: short protein forms E1009G.
Identifiers: ClinVar variation 4978638 (VCV004978638.1).